The following is an entry in ClinVar:

NM_002880.4(RAF1):c.1668+3_1668+4dup

Gene: RAF1 (Raf-1 proto-oncogene, serine/threonine kinase; minus strand). Cytogenetic location: 3p25.2.
Variant type: Duplication.
Coding change: c.1668+3_1668+4dup on transcript NM_002880.4 (MANE Select); bases 3 to 4 of the intron after coding-DNA position 1668, 2 bases duplicated (AA; older notation c.1668+3_1668+4dupAA).
Molecular consequence: intron variant.
Genome position (GRCh38, 1-based): chr3:12,585,118-12,585,119, TT duplicated on the plus strand (AA on the coding strand, the reverse complement: RAF1 is on the minus strand). VCF-style (leftmost placement, unchanged base first): chr3-12585117-C-CTT. GRCh37 (hg19) VCF-style: chr3-12626616-C-CTT.
Other names: c.1326+3_1326+4dup (NM_001354695.3); c.1425+3_1425+4dup (NM_001354692.3, NM_001354691.3); c.1485+3_1485+4dup (NM_001354694.3); c.1569+3_1569+4dup (NM_001354693.3); c.1728+3_1728+4dup (NM_001354689.3); c.1668+3_1668+4dup (NM_001354690.3).
Identifiers: ClinVar variation 2701717 (VCV002701717.3), dbSNP rs2470180099, ClinGen allele CA2697550711.

ClinVar aggregate classification (germline): Uncertain significance (1 of 4 stars; one submission).

Conditions:
RASopathy. Also called: rasopathies; Noonan spectrum disorder. Identifiers: Orphanet 536391, MedGen C5555857, MONDO:0021060.

Submission:

Labcorp Genetics (formerly Invitae), Labcorp
Classification: Uncertain significance for RASopathy. Last evaluated: 2025-10-20. Review status: criteria provided, single submitter. Criteria: Invitae Variant Classification Sherloc (09022015). Collection method: clinical testing. Allele origin: germline.
Comment: This sequence change falls in intron 15 of the RAF1 gene. It does not directly change the encoded amino acid sequence of the RAF1 protein. It affects a nucleotide within the consensus splice site. This variant is not present in population databases (gnomAD no frequency). This variant has not been reported in the literature in individuals affected with RAF1-related conditions. ClinVar contains an entry for this variant (Variation ID: 2701717). Variants that disrupt the consensus splice site are a relatively common cause of aberrant splicing (PMID: 17576681, 9536098). Algorithms developed to predict the effect of sequence changes on RNA splicing suggest that this variant is not likely to affect RNA splicing. In summary, the available evidence is currently insufficient to determine the role of this variant in disease. Therefore, it has been classified as a Variant of Uncertain Significance.

Literature cited by the submitters: PubMed 17576681; PubMed 9536098.